The following is an entry in ClinVar:

ClinVar aggregate classification (germline): Likely benign. Review status: criteria provided, multiple submitters, no conflicts (2 of 4 stars). 2 submissions from 2 submitters: Likely benign (2). Last evaluated 2026-09-04.

Conditions:
JPH2-related disorder. Also called: JPH2-related condition.
Hypertrophic cardiomyopathy. Also called: HYPERTROPHIC MYOCARDIOPATHY. Identifiers: Orphanet 217569, MedGen C0007194, MeSH D002312, MONDO:0005045, HP:0001639.

Allele frequency attached by ClinVar (database versions not stated): 1000 Genomes Project 30x 0.00016.
gnomAD v4.1: 1 of 1,581,506 alleles (0.000063%); highest among the groups gnomAD compares: Non-Finnish European, 0.000085%; no homozygotes.

Submissions (2):

PreventionGenetics, part of Exact Sciences
Classification: Likely benign for JPH2-related condition. Last evaluated: 2026-09-04. Review status: criteria provided, single submitter. Criteria: ACMG Guidelines, 2015. Collection method: clinical testing. Allele origin: germline.
Comment: This variant is classified as likely benign based on ACMG/AMP sequence variant interpretation guidelines (Richards et al. 2015 PMID: 25741868, with internal and published modifications).

Labcorp Genetics (formerly Invitae), Labcorp
Classification: Likely benign for Hypertrophic cardiomyopathy. Last evaluated: 2022-02-24. Review status: criteria provided, single submitter. Criteria: Invitae Variant Classification Sherloc (09022015). Collection method: clinical testing. Allele origin: germline.

NM_020433.5(JPH2):c.789C>T (p.Thr263=)

Gene: JPH2 (junctophilin 2; minus strand). Cytogenetic location: 20q13.12.
Variant type: single nucleotide variant.
Coding change: c.789C>T on transcript NM_020433.5 (MANE Select); coding-DNA position 789, C replaced by T.
Protein change: p.Thr263=; no amino-acid change (threonine 263 retained).
Molecular consequence: synonymous variant.
Genome position (GRCh38, 1-based): chr20:44,159,998, G>A on the plus strand (C>T on the coding strand, the complement: JPH2 is on the minus strand). VCF-style: chr20-44159998-G-A. GRCh37 (hg19) VCF-style: chr20-42788638-G-A.
Other names: c.789C>T (NM_020433.4).
Identifiers: ClinVar variation 1658001 (VCV001658001.9), dbSNP rs1341184691, ClinGen allele CA510739695.
Genomic context (GRCh38, chr20:44,159,998, plus strand): 5'-GATATCGGCCTCGAAGGGTGCGGCCTCGTCGGCGCCCTCGGCGGCCTCTCCCAGGCTGGC[G>A]GTGGACGCGGCGTCGCTGGCGCCCGAGCTGAGGTCGCTCTTAAGGAAGCTGACACGGCTG-3'
Protein context (NP_065166.2, residues 253-273): LSSGASDAAS[Thr263=]ASLGEAAEGA